The following is an entry in ClinVar:

ClinVar aggregate classification (germline): Uncertain significance (1 of 4 stars; one submission).

Allele frequency attached by ClinVar (database versions not stated): gnomAD exomes below 0.00001.
gnomAD v4.1: 1 of 1,613,292 alleles (0.000062%); highest among the groups gnomAD compares: East Asian, 0.0022%; no homozygotes.

Submission:

Labcorp Genetics (formerly Invitae), Labcorp
Classification: Uncertain significance. Last evaluated: 2024-01-18. Review status: criteria provided, single submitter. Criteria: Invitae Variant Classification Sherloc (09022015). Collection method: clinical testing. Allele origin: germline.
Comment: This sequence change replaces proline, which is neutral and non-polar, with serine, which is neutral and polar, at codon 99 of the SKIV2L protein (p.Pro99Ser). This variant is not present in population databases (gnomAD no frequency). This variant has not been reported in the literature in individuals affected with SKIV2L-related conditions. An algorithm developed to predict the effect of missense changes on protein structure and function (PolyPhen-2) suggests that this variant is likely to be tolerated. In summary, the available evidence is currently insufficient to determine the role of this variant in disease. Therefore, it has been classified as a Variant of Uncertain Significance.

NM_006929.5(SKIC2):c.295C>T (p.Pro99Ser)

Gene: SKIC2 (SKI2 subunit of superkiller complex; plus strand). Cytogenetic location: 6p21.33.
Variant type: single nucleotide variant.
Coding change: c.295C>T on transcript NM_006929.5 (MANE Select); coding-DNA position 295, C replaced by T.
Protein change: p.Pro99Ser; replaces proline 99 with serine.
Molecular consequence: missense variant.
Genome position (GRCh38, 1-based): chr6:31,960,278, C>T. VCF-style: chr6-31960278-C-T. GRCh37 (hg19) VCF-style: chr6-31928055-C-T.
Other names: short protein forms P99S.
Identifiers: ClinVar variation 2708728 (VCV002708728.3), dbSNP rs567793430, ClinGen allele CA363436073.